The following is an entry in ClinVar:

ClinVar aggregate classification (germline): Pathogenic (1 of 4 stars; one submission).

Conditions:
PURA-related severe neonatal hypotonia-seizures-encephalopathy syndrome (NEDRIHF). Also called: NEURODEVELOPMENTAL DISORDER WITH NEONATAL RESPIRATORY INSUFFICIENCY, HYPOTONIA, AND FEEDING DIFFICULTIES; PURA-Related Neurodevelopmental Disorders. Identifiers: Orphanet 438213, Orphanet 438216, MedGen C4015357, MONDO:1060108, OMIM 616158, MONDO:0018580.

Submission:

Labcorp Genetics (formerly Invitae), Labcorp
Classification: Pathogenic for PURA-related severe neonatal hypotonia-seizures-encephalopathy syndrome. Last evaluated: 2022-08-15. Review status: criteria provided, single submitter. Criteria: Invitae Variant Classification Sherloc (09022015). Collection method: clinical testing. Allele origin: germline.
Comment: For these reasons, this variant has been classified as Pathogenic. This variant disrupts a region of the PURA protein in which other variant(s) (p.Thr310Asnfs*7) have been determined to be pathogenic (Invitae). This suggests that this is a clinically significant region of the protein, and that variants that disrupt it are likely to be disease-causing. ClinVar contains an entry for this variant (Variation ID: 1053368). This variant has not been reported in the literature in individuals affected with PURA-related conditions. This variant is not present in population databases (gnomAD no frequency). This sequence change creates a premature translational stop signal (p.Gln299Profs*18) in the PURA gene. While this is not anticipated to result in nonsense mediated decay, it is expected to disrupt the last 24 amino acid(s) of the PURA protein.

NM_005859.5(PURA):c.895dup (p.Gln299fs)

Gene: PURA (purine rich element binding protein A; plus strand). Cytogenetic location: 5q31.3.
Variant type: Duplication.
Coding change: c.895dup on transcript NM_005859.5 (MANE Select); coding-DNA position 895, one base duplicated (C; older notation c.895dupC).
Protein change: p.Gln299fs; shifts the reading frame from glutamine 299.
Molecular consequence: frameshift variant.
Genome position (GRCh38, 1-based): chr5:140,115,076, C duplicated. VCF-style (leftmost placement, unchanged base first): chr5-140115075-G-GC. GRCh37 (hg19) VCF-style: chr5-139494660-G-GC.
Other names: short protein forms Q299fs.
Identifiers: ClinVar variation 1053368 (VCV001053368.10), dbSNP rs2126749469, ClinGen allele CA2499217695.